The following is an entry in ClinVar:

NM_025099.6(CTC1):c.3644C>T (p.Ser1215Phe)

Gene: CTC1 (CST telomere replication complex component 1; minus strand). Cytogenetic location: 17p13.1.
Variant type: single nucleotide variant.
Coding change: c.3644C>T on transcript NM_025099.6 (MANE Select); coding-DNA position 3644, C replaced by T.
Protein change: p.Ser1215Phe; replaces serine 1215 with phenylalanine.
Molecular consequence: missense variant. On other transcripts: non-coding transcript variant (1).
Genome position (GRCh38, 1-based): chr17:8,228,190, G>A on the plus strand (C>T on the coding strand, the complement: CTC1 is on the minus strand). VCF-style: chr17-8228190-G-A. GRCh37 (hg19) VCF-style: chr17-8131508-G-A.
Other names: c.3413C>T, p.Ser1138Phe (NM_001411067.1); short protein forms S1138F, S1215F.
Identifiers: ClinVar variation 4993158 (VCV004993158.1).

ClinVar aggregate classification (germline): Uncertain significance (1 of 4 stars; one submission).

Conditions:
CTC1-related disorder. Also called: CTC1-related condition.

Submission:

PreventionGenetics, part of Exact Sciences
Classification: Uncertain significance for CTC1-related condition. Last evaluated: 2025-12-26. Review status: criteria provided, single submitter. Criteria: ACMG Guidelines, 2015. Collection method: clinical testing. Allele origin: germline.
Comment: The CTC1 c.3644C>T variant is predicted to result in the amino acid substitution p.Ser1215Phe. To our knowledge, this variant has not been reported in the literature or in a large population database (gnomAD), indicating this variant is rare. At the time of reporting, this variant was not present in ClinVar. At this time, the clinical significance of this variant is uncertain due to the absence of conclusive functional and genetic evidence.